The following is an entry in ClinVar:

ClinVar aggregate classification (germline): Uncertain significance (1 of 4 stars; one submission).

Conditions:
Epidermodysplasia verruciformis. Identifiers: Orphanet 302, MedGen C0014522, MONDO:0009176.

Allele frequency attached by ClinVar (database versions not stated): gnomAD exomes 0.00001; ExAC 0.00002; TOPMed 0.00002; gnomAD 0.00004.
gnomAD v4.1: 9 of 1,611,092 alleles (0.00056%); highest among the groups gnomAD compares: African/African-American, 0.012%; no homozygotes.

Submission:

Labcorp Genetics (formerly Invitae), Labcorp
Classification: Uncertain significance for Epidermodysplasia verruciformis. Last evaluated: 2022-02-28. Review status: criteria provided, single submitter. Criteria: Invitae Variant Classification Sherloc (09022015). Collection method: clinical testing. Allele origin: germline.
Comment: This variant has not been reported in the literature in individuals affected with TMC6-related conditions. This sequence change replaces methionine, which is neutral and non-polar, with valine, which is neutral and non-polar, at codon 459 of the TMC6 protein (p.Met459Val). This variant is present in population databases (rs754878859, gnomAD 0.02%). Algorithms developed to predict the effect of missense changes on protein structure and function output the following: SIFT: "Not Available"; PolyPhen-2: "Benign"; Align-GVGD: "Not Available". The valine amino acid residue is found in multiple mammalian species, which suggests that this missense change does not adversely affect protein function. In summary, the available evidence is currently insufficient to determine the role of this variant in disease. Therefore, it has been classified as a Variant of Uncertain Significance.

NM_001127198.5(TMC6):c.1375A>G (p.Met459Val)

Gene: TMC6 (transmembrane channel like 6; minus strand). Cytogenetic location: 17q25.3.
Variant type: single nucleotide variant.
Coding change: c.1375A>G on transcript NM_001127198.5 (MANE Select); coding-DNA position 1375, A replaced by G.
Protein change: p.Met459Val; replaces methionine 459 with valine.
Molecular consequence: missense variant. On other transcripts: non-coding transcript variant (4).
Genome position (GRCh38, 1-based): chr17:78,121,564, T>C on the plus strand (A>G on the coding strand, the complement: TMC6 is on the minus strand). VCF-style: chr17-78121564-T-C. GRCh37 (hg19) VCF-style: chr17-76117645-T-C.
Other names: c.1375A>G, p.Met459Val (NM_001321185.1, NM_001374593.1, NM_001374594.1 and 4 more transcripts); short protein forms M459V.
Identifiers: ClinVar variation 1923098 (VCV001923098.4), dbSNP rs754878859, ClinGen allele CA8795772.